The following is an entry in ClinVar:

ClinVar aggregate classification (germline): Likely benign (1 of 4 stars; one submission).

Allele frequency attached by ClinVar (database versions not stated): gnomAD exomes below 0.00001; gnomAD 0.00001; TOPMed 0.00001.
gnomAD v4.1: 5 of 1,551,194 alleles (0.00032%); highest among the groups gnomAD compares: African/African-American, 0.0014%; no homozygotes.

Submission:

GeneDx
Classification: Likely benign. Last evaluated: 2018-04-10. Review status: criteria provided, single submitter. Criteria: GeneDx Variant Classification (06012015). Collection method: clinical testing. Allele origin: germline. Affected: yes.
Comment: This variant is considered likely benign or benign based on one or more of the following criteria: it is a conservative change, it occurs at a poorly conserved position in the protein, it is predicted to be benign by multiple in silico algorithms, and/or has population frequency not consistent with disease.

NM_001039141.3(TRIOBP):c.4023A>G (p.Gln1341=)

Gene: TRIOBP (TRIO and F-actin binding protein; plus strand). Cytogenetic location: 22q13.1.
Variant type: single nucleotide variant.
Coding change: c.4023A>G on transcript NM_001039141.3 (MANE Select); coding-DNA position 4023, A replaced by G.
Protein change: p.Gln1341=; no amino-acid change (glutamine 1341 retained).
Molecular consequence: synonymous variant.
Genome position (GRCh38, 1-based): chr22:37,733,373, A>G. VCF-style: chr22-37733373-A-G. GRCh37 (hg19) VCF-style: chr22-38129380-A-G.
Identifiers: ClinVar variation 681341 (VCV000681341.1), dbSNP rs1601638335, ClinGen allele CA514525833.